The following is an entry in ClinVar:

ClinVar aggregate classification (germline): Pathogenic/Likely pathogenic. Review status: criteria provided, multiple submitters, no conflicts (2 of 4 stars). 4 submissions from 4 submitters: Pathogenic (2); Likely pathogenic (1). 1 of the submissions does not count toward it. Last evaluated 2026-09-25.

Conditions:
TG-related disorder. Also called: TG-related disorders; TG-related condition.
Congenital hypothyroidism. Identifiers: Orphanet 442, MedGen C0010308, MONDO:0018612, HP:0000851.

Allele frequency attached by ClinVar (database versions not stated): gnomAD 0.00003; ExAC 0.00004; gnomAD exomes 0.00004 and 0.00006; TOPMed 0.00004; ESP Exome Variant Server 0.00008.
gnomAD v4.1: 88 of 1,614,094 alleles (0.0055%); highest among the groups gnomAD compares: Non-Finnish European, 0.0069%; no homozygotes.

Submissions (4):

PreventionGenetics, part of Exact Sciences
Classification: Pathogenic for TG-related condition. Last evaluated: 2026-09-25. Review status: criteria provided, single submitter. Criteria: ACMG Guidelines, 2015. Collection method: clinical testing. Allele origin: germline.
Comment: The TG c.6701C>A variant is predicted to result in the amino acid substitution p.Ala2234Asp. This variant has been reported in individuals with congenital hypothyroidism (Vono-Toniolo and Kopp, 2004. PubMed ID: 15611820; De Jaco et al 2012. PubMed ID: 23035660; Stoupa et al 2021. PubMed ID: 33692749). This variant is reported in 0.0078% of alleles in individuals of European (Non-Finnish) descent in gnomAD. This variant is interpreted as pathogenic.

GeneDx
Classification: Pathogenic. Last evaluated: 2025-03-12. Review status: criteria provided, single submitter. Criteria: GeneDx Variant Classification Process June 2021. Collection method: clinical testing. Allele origin: germline. Affected: yes.
Comment: In silico analysis supports that this missense variant has a deleterious effect on protein structure/function; Also known as p.A2215D and p.A2234N; This variant is associated with the following publications: (PMID: 34200080, 31430255, 33692749, 19509106, 23035660, 15611820)

Labcorp Genetics (formerly Invitae), Labcorp
Classification: Likely pathogenic. Last evaluated: 2024-01-08. Review status: criteria provided, single submitter. Criteria: Invitae Variant Classification Sherloc (09022015). Collection method: clinical testing. Allele origin: germline.
Comment: This sequence change replaces alanine, which is neutral and non-polar, with aspartic acid, which is acidic and polar, at codon 2234 of the TG protein (p.Ala2234Asp). The frequency data for this variant in the population databases is considered unreliable, as metrics indicate poor data quality at this position in the gnomAD database. This missense change has been observed in individual(s) with TG-related conditions (PMID: 15611820, 17532758, 19438905, 19509106, 23164529, 31430255, 33692749). In at least one individual the data is consistent with being in trans (on the opposite chromosome) from a pathogenic variant. It has also been observed to segregate with disease in related individuals. This variant is also known as A2234N, A2215D. ClinVar contains an entry for this variant (Variation ID: 988639). Advanced modeling of protein sequence and biophysical properties (such as structural, functional, and spatial information, amino acid conservation, physicochemical variation, residue mobility, and thermodynamic stability) performed at Invitae indicates that this missense variant is expected to disrupt TG protein function with a positive predictive value of 80%. Experimental studies have shown that this missense change affects TG function (PMID: 19509106, 23035660). In summary, the currently available evidence indicates that the variant is pathogenic, but additional data are needed to prove that conclusively. Therefore, this variant has been classified as Likely Pathogenic.

Polak associated Lab, IMAGINE Institute
Classification: Pathogenic for Congenital hypothyroidism. Review status: no assertion criteria provided. Collection method: clinical testing. Allele origin: germline. Affected: yes. Not counted in ClinVar's aggregate classification.

Literature cited by the submitters: PubMed 15611820 (cited by Labcorp Genetics (formerly Invitae), Labcorp); PubMed 17532758 (cited by Labcorp Genetics (formerly Invitae), Labcorp and Polak associated Lab, IMAGINE Institute); PubMed 19438905 (cited by Labcorp Genetics (formerly Invitae), Labcorp); PubMed 19509106 (cited by Labcorp Genetics (formerly Invitae), Labcorp); PubMed 23164529 (cited by Labcorp Genetics (formerly Invitae), Labcorp); PubMed 31430255 (cited by Labcorp Genetics (formerly Invitae), Labcorp); PubMed 33692749 (cited by Labcorp Genetics (formerly Invitae), Labcorp); PubMed 23035660 (cited by Labcorp Genetics (formerly Invitae), Labcorp).

NM_003235.5(TG):c.6701C>A (p.Ala2234Asp)

Gene: TG (thyroglobulin; plus strand). Cytogenetic location: 8q24.22.
Variant type: single nucleotide variant.
Coding change: c.6701C>A on transcript NM_003235.5 (MANE Select); coding-DNA position 6701, C replaced by A.
Protein change: p.Ala2234Asp; replaces alanine 2234 with aspartic acid.
Molecular consequence: missense variant.
Genome position (GRCh38, 1-based): chr8:133,017,916, C>A. VCF-style: chr8-133017916-C-A. GRCh37 (hg19) VCF-style: chr8-134030161-C-A.
Other names: c.6701C>A (NM_003235.4); short protein forms A2234D.
Identifiers: ClinVar variation 988639 (VCV000988639.6), dbSNP rs370991693, ClinGen allele CA4885008.
Genomic context (GRCh38, chr8:133,017,916, plus strand): 5'-AGGCCATCCAGGTGGGTACCTCATGGAAGCAAGTGGACCAGTTCCTTGGAGTTCCATATG[C>A]TGCCCCGCCCCTGGCAGAGAGGCGCTTCCAGGCACCAGAGCCCTTGAACTGGACAGGCTC-3'
Protein context (NP_003226.4, residues 2224-2244): QVDQFLGVPY[Ala2234Asp]APPLAERRFQ